The following is an entry in ClinVar:

ClinVar aggregate classification (germline): Uncertain significance. Review status: criteria provided, multiple submitters, no conflicts (2 of 4 stars). 2 submissions from 2 submitters: Uncertain significance (2). Last evaluated 2026-01-27.

gnomAD v4.1: 13 of 1,520,236 alleles (0.00086%); highest among the groups gnomAD compares: African/African-American, 0.0028%; no homozygotes.

Submissions (2):

Labcorp Genetics (formerly Invitae), Labcorp
Classification: Uncertain significance. Last evaluated: 2026-01-27. Review status: criteria provided, single submitter. Criteria: Invitae Variant Classification Sherloc (09022015). Collection method: clinical testing. Allele origin: germline.
Comment: This sequence change replaces glycine, which is neutral and non-polar, with arginine, which is basic and polar, at codon 896 of the CASZ1 protein (p.Gly896Arg). The frequency data for this variant in the population databases is considered unreliable, as metrics indicate poor data quality at this position in the gnomAD database. This variant has not been reported in the literature in individuals affected with CASZ1-related conditions. ClinVar contains an entry for this variant (Variation ID: 3485377). An algorithm developed to predict the effect of missense changes on protein structure and function (PolyPhen-2) suggests that this variant is likely to be disruptive. In summary, the available evidence is currently insufficient to determine the role of this variant in disease. Therefore, it has been classified as a Variant of Uncertain Significance.

Ambry Genetics
Classification: Uncertain significance. Last evaluated: 2024-07-23. Review status: criteria provided, single submitter. Criteria: Ambry Variant Classification Scheme 2023. Collection method: clinical testing. Allele origin: germline.

NM_001079843.3(CASZ1):c.2686G>A (p.Gly896Arg)

Gene: CASZ1 (castor zinc finger 1; minus strand). Cytogenetic location: 1p36.22.
Variant type: single nucleotide variant.
Coding change: c.2686G>A on transcript NM_001079843.3 (MANE Select); coding-DNA position 2686, G replaced by A.
Protein change: p.Gly896Arg; replaces glycine 896 with arginine.
Molecular consequence: missense variant.
Genome position (GRCh38, 1-based): chr1:10,651,071, C>T on the plus strand (G>A on the coding strand, the complement: CASZ1 is on the minus strand). VCF-style: chr1-10651071-C-T. GRCh37 (hg19) VCF-style: chr1-10711128-C-T.
Other names: c.2686G>A, p.Gly896Arg (NM_017766.5); short protein forms G896R.
Identifiers: ClinVar variation 3485377 (VCV003485377.2).